The following is an entry in ClinVar:

NM_000090.4(COL3A1):c.2587C>A (p.Arg863Ser)

Gene: COL3A1 (collagen type III alpha 1 chain; plus strand). Cytogenetic location: 2q32.2.
Variant type: single nucleotide variant.
Coding change: c.2587C>A on transcript NM_000090.4 (MANE Select); coding-DNA position 2587, C replaced by A.
Protein change: p.Arg863Ser; replaces arginine 863 with serine.
Molecular consequence: missense variant.
Genome position (GRCh38, 1-based): chr2:189,003,444, C>A. VCF-style: chr2-189003444-C-A. GRCh37 (hg19) VCF-style: chr2-189868170-C-A.
Other names: short protein forms R863S.
Identifiers: ClinVar variation 3070243 (VCV003070243.1), dbSNP rs568639668, ClinGen allele CA349843490.
Genomic context (GRCh38, chr2:189,003,444, plus strand): 5'-TACATAATTTCCTTCCATTTCATATAGGGTCCTCCTGGTCCCCAAGGTGTCAAAGGTGAA[C>A]GTGGCAGTCCTGGTGGACCTGTAAGTATTGATCCTCTTAACTATTATTGAAAAGCATTAA-3'
Protein context (NP_000081.2, residues 853-873): PPGPQGVKGE[Arg863Ser]GSPGGPGAAG

ClinVar aggregate classification (germline): Uncertain significance (1 of 4 stars; one submission).

Conditions:
Ehlers-Danlos syndrome, type 4 (EDSVASC). Also called: Ehlers-Danlos Syndrome Type IV; Ehlers-Danlos syndrome vascular type; Ehlers Danlos syndrome, ecchymotic type; Ehlers Danlos syndrome, arterial type; Ehlers Danlos syndrome, Sack-Barabas type. Identifiers: Orphanet 286, MedGen C0268338, MONDO:0017314, OMIM 130050.

Submission:

All of Us Research Program, National Institutes of Health
Classification: Uncertain significance for Ehlers-Danlos syndrome, type 4. Last evaluated: 2023-04-03. Review status: criteria provided, single submitter. Criteria: ACMG Guidelines, 2015. Collection method: clinical testing. Allele origin: germline. Inheritance: Autosomal dominant inheritance. Observed: 1 variant allele, 1 heterozygote.
Comment: This missense variant replaces arginine with serine at codon 863 of the COL3A1 protein. Computational prediction is inconclusive regarding the impact of this variant on protein structure and function (internally defined REVEL score threshold 0.5 < inconclusive < 0.7, PMID: 27666373). To our knowledge, functional studies have not been reported for this variant. This variant has not been reported in individuals affected with COL3A1-related disorders in the literature. This variant has not been identified in the general population by the Genome Aggregation Database (gnomAD). The available evidence is insufficient to determine the role of this variant in disease conclusively. Therefore, this variant is classified as a Variant of Uncertain Significance.

This study involves interpretation of variants in research participants for the purpose of population health screening. Participant phenotype was not available at the time of variant classification. Additional details can be found in publication PMID: 35346344, PMCID: PMC8962531